The following is an entry in ClinVar:

NM_005670.4(EPM2A):c.22G>A (p.Val8Met)

Genes: EPM2A (EPM2A glucan phosphatase, laforin; minus strand), EPM2A-DT (EPM2A divergent transcript; plus strand), LOC129997381 (ATAC-STARR-seq lymphoblastoid silent region 17642; plus strand). Cytogenetic location: 6q24.3.
Variant type: single nucleotide variant.
Coding change: c.22G>A on transcript NM_005670.4 (MANE Select); coding-DNA position 22, G replaced by A.
Protein change: p.Val8Met; replaces valine 8 with methionine.
Molecular consequence: missense variant. On other transcripts: 5 prime UTR variant (3), intron variant (1).
Genome position (GRCh38, 1-based): chr6:145,735,477, C>T on the plus strand (G>A on the coding strand, the complement: EPM2A is on the minus strand). VCF-style: chr6-145735477-C-T. GRCh37 (hg19) VCF-style: chr6-146056613-C-T.
Other names: c.22G>A, p.Val8Met (NM_001018041.2, NM_001360057.2, NM_001368130.1); c.-648G>A (NM_001360071.2); c.-602G>A (NM_001368129.2); c.-346G>A (NM_001368131.1); c.-114+431G>A (NM_001360064.2); short protein forms V8M.
Identifiers: ClinVar variation 1364884 (VCV001364884.6), dbSNP rs1326700627, ClinGen allele CA366188704.

ClinVar aggregate classification (germline): Uncertain significance (1 of 4 stars; one submission).

Conditions:
Progressive myoclonic epilepsy. Also called: Myoclonus epilepsy; Familial progressive myoclonic epilepsy; Myoclonic Epilepsies, Progressive; Progressive myoclonus epilepsy. Identifiers: Orphanet 308, Orphanet 98261, MedGen C0751778, MONDO:0020074.

gnomAD v4.1: 3 of 1,212,318 alleles (0.00025%); highest among the groups gnomAD compares: Non-Finnish European, 0.00031%; no homozygotes.

Submission:

Labcorp Genetics (formerly Invitae), Labcorp
Classification: Uncertain significance for Progressive myoclonic epilepsy. Last evaluated: 2021-11-17. Review status: criteria provided, single submitter. Criteria: Invitae Variant Classification Sherloc (09022015). Collection method: clinical testing. Allele origin: germline.
Comment: This sequence change replaces valine, which is neutral and non-polar, with methionine, which is neutral and non-polar, at codon 8 of the EPM2A protein (p.Val8Met). In summary, the available evidence is currently insufficient to determine the role of this variant in disease. Therefore, it has been classified as a Variant of Uncertain Significance. Algorithms developed to predict the effect of missense changes on protein structure and function are either unavailable or do not agree on the potential impact of this missense change (SIFT: "Deleterious"; PolyPhen-2: "Not Available"; Align-GVGD: "Class C0"). This variant has not been reported in the literature in individuals affected with EPM2A-related conditions. This variant is not present in population databases (gnomAD no frequency).